The following is an entry in ClinVar:

ClinVar aggregate classification (germline): Uncertain significance. Review status: criteria provided, multiple submitters, no conflicts (2 of 4 stars). 3 submissions from 3 submitters: Uncertain significance (3). Last evaluated 2025-10-01.

Conditions:
Spastic paraplegia, intellectual disability, nystagmus, and obesity. Also called: Spastic paraplegia, intellectual disability, nystagmus, and obesity;. Identifiers: Orphanet 521390, MedGen C4284592, MONDO:0015007, OMIM 617296.
Inborn genetic diseases. Identifiers: MedGen C0950123, MeSH D030342.

Submissions (3):

Ambry Genetics
Classification: Uncertain significance for Inborn genetic diseases. Last evaluated: 2025-10-01. Review status: criteria provided, single submitter. Criteria: Ambry Variant Classification Scheme 2023. Collection method: clinical testing. Allele origin: germline.
Comment: The c.4053+1G>T intronic variant consists of a G to T substitution one nucleotide(s) after exon 29 (coding exon 28) of the KIDINS220 gene. Alterations that disrupt the canonical splice site are expected to result in aberrant splicing. The resulting transcript is predicted to be in-frame and is not expected to trigger nonsense-mediated mRNA decay, although direct evidence is unavailable. This variant was not reported in population-based cohorts in the Genome Aggregation Database (gnomAD). This nucleotide position is highly conserved in available vertebrate species. In silico splice site analysis predicts that this alteration will weaken the native splice donor site and will result in the creation or strengthening of a novel splice donor site. Based on insufficient or conflicting evidence, the clinical significance of this alteration remains unclear.

Labcorp Genetics (formerly Invitae), Labcorp
Classification: Uncertain significance. Last evaluated: 2025-05-27. Review status: criteria provided, single submitter. Criteria: Invitae Variant Classification Sherloc (09022015). Collection method: clinical testing. Allele origin: germline.
Comment: This sequence change affects a donor splice site in intron 29 of the KIDINS220 gene. While this variant is not anticipated to result in nonsense mediated decay, it likely alters RNA splicing and results in a disrupted protein product. This variant is not present in population databases (gnomAD no frequency). This variant has not been reported in the literature in individuals affected with KIDINS220-related conditions. ClinVar contains an entry for this variant (Variation ID: 930271). Variants that disrupt the consensus splice site are a relatively common cause of aberrant splicing (PMID: 17576681, 9536098). Algorithms developed to predict the effect of sequence changes on RNA splicing suggest that this variant may disrupt the consensus splice site. In summary, the available evidence is currently insufficient to determine the role of this variant in disease. Therefore, it has been classified as a Variant of Uncertain Significance.

Centre for Mendelian Genomics, University Medical Centre Ljubljana
Classification: Uncertain significance for Spastic paraplegia, intellectual disability, nystagmus, and obesity. Last evaluated: 2020-01-08. Review status: criteria provided, single submitter. Criteria: ACMG Guidelines, 2015. Collection method: clinical testing. Allele origin: unknown. Affected: yes.
Comment: This variant was classified as: Uncertain significance. The available evidence favors the pathogenic nature of this variant, however the currently available data is insufficient to conclusively support its pathogenic nature. Thus this variant is classified as Uncertain significance - favor pathogenic. The following ACMG criteria were applied in classifying this variant: PM2,PP3.

Literature cited by the submitters: PubMed 17576681 (cited by Labcorp Genetics (formerly Invitae), Labcorp); PubMed 9536098 (cited by Labcorp Genetics (formerly Invitae), Labcorp).

NM_020738.4(KIDINS220):c.4053+1G>T

Gene: KIDINS220 (kinase D interacting substrate 220; minus strand). Cytogenetic location: 2p25.1.
Variant type: single nucleotide variant.
Coding change: c.4053+1G>T on transcript NM_020738.4 (MANE Select); the canonical splice donor site of the intron after coding-DNA position 4053, G replaced by T.
Molecular consequence: splice donor variant.
Genome position (GRCh38, 1-based): chr2:8,733,443, C>A on the plus strand (G>T on the coding strand, the complement: KIDINS220 is on the minus strand). VCF-style: chr2-8733443-C-A. GRCh37 (hg19) VCF-style: chr2-8873573-C-A.
Other names: c.3882+1G>T (NM_001348741.2, NM_001348742.2, NM_001348743.2 and 1 more transcripts); c.3996+1G>T (NM_001348738.2, NM_001348732.2); c.3885+1G>T (NM_001348739.2, NM_001348740.2, NM_001348734.2); c.3999+1G>T (NM_001348731.2); c.4056+1G>T (NM_001348729.2); c.3756+1G>T (NM_001348736.2).
Identifiers: ClinVar variation 930271 (VCV000930271.5), dbSNP rs1664419023, ClinGen allele CA345766643.
Genomic context (GRCh38, chr2:8,733,443, plus strand): 5'-TCAGTGAACTGAACGGTGTGCTTATTCTTCAATAATATGAAAAATGCCATTCAATAAATA[C>A]CTGCCAACTTAGATTACTGTGACGAGGGGCACCTTCATCCAGGCCAAGCGTGTTCAGCTC-3'